The following is an entry in ClinVar:

NM_033305.3(VPS13A):c.6095+1G>A

Gene: VPS13A (vacuolar protein sorting 13 homolog A; plus strand). Cytogenetic location: 9q21.2.
Variant type: single nucleotide variant.
Coding change: c.6095+1G>A on transcript NM_033305.3 (MANE Select); the canonical splice donor site of the intron after coding-DNA position 6095, G replaced by A.
Molecular consequence: splice donor variant.
Genome position (GRCh38, 1-based): chr9:77,332,114, G>A. VCF-style: chr9-77332114-G-A. GRCh37 (hg19) VCF-style: chr9-79947030-G-A.
Other names: c.5978+1G>A (NM_001018037.2); c.6095+1G>A (NM_015186.4, NM_001018038.3).
Identifiers: ClinVar variation 947294 (VCV000947294.8), dbSNP rs1564735244, ClinGen allele CA373847882.

ClinVar aggregate classification (germline): Likely pathogenic (1 of 4 stars; one submission).

gnomAD v4.1: 1 of 1,604,176 alleles (0.000062%); no homozygotes.

Submission:

Labcorp Genetics (formerly Invitae), Labcorp
Classification: Likely pathogenic. Last evaluated: 2019-06-03. Review status: criteria provided, single submitter. Criteria: Invitae Variant Classification Sherloc (09022015). Collection method: clinical testing. Allele origin: germline.
Comment: This sequence change affects a donor splice site in intron 46 of the VPS13A gene. It is expected to disrupt RNA splicing and likely results in an absent or disrupted protein product. This variant is not present in population databases (ExAC no frequency). This variant has not been reported in the literature in individuals with VPS13A-related conditions. Donor and acceptor splice site variants typically lead to a loss of protein function (PMID: 16199547), and loss-of-function variants in VPS13A are known to be pathogenic (PMID: 12404112, 21598378). In summary, the currently available evidence indicates that the variant is pathogenic, but additional data are needed to prove that conclusively. Therefore, this variant has been classified as Likely Pathogenic.

Literature cited by the submitters: PubMed 16199547; PubMed 12404112; PubMed 21598378.